The following is an entry in ClinVar:

NM_001267550.2(TTN):c.58388del (p.Asn19463fs)

Genes: TTN (titin; minus strand), TTN-AS1 (TTN antisense RNA 1; plus strand). Cytogenetic location: 2q31.2.
Variant type: Deletion.
Coding change: c.58388del on transcript NM_001267550.2 (MANE Select); coding-DNA position 58388, one base deleted (A; older notation c.58388delA).
Protein change: p.Asn19463fs; shifts the reading frame from asparagine 19463.
Molecular consequence: frameshift variant.
Genome position (GRCh38, 1-based): chr2:178,594,005, T deleted on the plus strand (A on the coding strand, the reverse complement: TTN is on the minus strand); the first of 2 consecutive T bases (chr2:178,594,005-178,594,006); deleting either gives the same sequence. VCF-style (leftmost placement, unchanged base first): chr2-178594004-GT-G. GRCh37 (hg19) VCF-style: chr2-179458731-GT-G.
Other names: c.53465del, p.Asn17822fs (NM_001256850.1); c.31193del, p.Asn10398fs (NM_003319.4); c.50684del, p.Asn16895fs (NM_133378.4); c.31568del, p.Asn10523fs (NM_133432.3); c.31769del, p.Asn10590fs (NM_133437.4); short protein forms N17822fs, N10398fs, N10590fs, N16895fs, N19463fs, N10523fs.
Identifiers: ClinVar variation 951035 (VCV000951035.14), dbSNP rs2050854171, ClinGen allele CA1139655713.

ClinVar aggregate classification (germline): Likely pathogenic. Review status: criteria provided, single submitter (1 of 4 stars). 3 submissions from 3 submitters: Likely pathogenic (1). 2 of the submissions do not count toward it. Last evaluated 2019-06-17.

Conditions:
Dilated cardiomyopathy 1G (CMD1G). Identifiers: Orphanet 154, MedGen C1858763, MONDO:0011400, OMIM 604145.
Autosomal recessive limb-girdle muscular dystrophy type 2J (LGMDR10). Also called: Limb-girdle muscular dystrophy, type 2J; MUSCULAR DYSTROPHY, LIMB-GIRDLE, AUTOSOMAL RECESSIVE 10. Identifiers: Orphanet 140922, MedGen C1837342, MONDO:0012127, OMIM 608807.

Submissions (3):

Labcorp Genetics (formerly Invitae), Labcorp
Classification: Likely pathogenic for Dilated cardiomyopathy 1G; Autosomal recessive limb-girdle muscular dystrophy type 2J. Last evaluated: 2019-06-17. Review status: criteria provided, single submitter. Criteria: Invitae Variant Classification Sherloc (09022015). Collection method: clinical testing. Allele origin: germline.
Comment: In summary, the currently available evidence indicates that the variant is pathogenic, but additional data are needed to prove that conclusively. Therefore, this variant has been classified as Likely Pathogenic. This variant is located in the A band of TTN (PMID: 25589632). Truncating variants in this region are significantly overrepresented in patients affected with dilated cardiomyopathy (PMID: 25589632). Truncating variants in this region have also been reported in individuals affected with autosomal recessive centronuclear myopathy (PMID: 23975875). This variant has been reported in individuals in the Leiden Open-source Variation Database (PMID: 21520333). This variant is not present in population databases (ExAC no frequency). This sequence change results in a premature translational stop signal in the TTN gene (p.Asn19463Thrfs*22). While this is not anticipated to result in nonsense mediated decay, it is expected to create a truncated TTN protein.

Clinical Genetics DNA and cytogenetics Diagnostics Lab, Erasmus MC, Erasmus Medical Center
Classification: Pathogenic. Review status: no assertion criteria provided. Collection method: clinical testing. Allele origin: germline. Affected: yes. Study: VKGL Data-share Consensus. Not counted in ClinVar's aggregate classification.

Diagnostic Laboratory, Department of Genetics, University Medical Center Groningen
Classification: Likely pathogenic. Review status: no assertion criteria provided. Collection method: clinical testing. Allele origin: germline. Affected: yes. Study: VKGL Data-share Consensus. Not counted in ClinVar's aggregate classification.

Literature cited by the submitters: PubMed 25589632 (cited by Labcorp Genetics (formerly Invitae), Labcorp); PubMed 23975875 (cited by Labcorp Genetics (formerly Invitae), Labcorp); PubMed 21520333 (cited by Labcorp Genetics (formerly Invitae), Labcorp).